The following is an entry in ClinVar:

NM_000492.4(CFTR):c.3817T>C (p.Ser1273Pro)

Genes: CFTR (CF transmembrane conductance regulator; plus strand), CFTR-AS2 (CFTR antisense RNA 2; minus strand). Cytogenetic location: 7q31.2.
Variant type: single nucleotide variant.
Coding change: c.3817T>C on transcript NM_000492.4 (MANE Select); coding-DNA position 3817, T replaced by C.
Protein change: p.Ser1273Pro; replaces serine 1273 with proline.
Molecular consequence: missense variant.
Genome position (GRCh38, 1-based): chr7:117,642,537, T>C. VCF-style: chr7-117642537-T-C. GRCh37 (hg19) VCF-style: chr7-117282591-T-C.
Other names: short protein forms S1273P.
Identifiers: ClinVar variation 5034432 (VCV005034432.1).

ClinVar aggregate classification (germline): Uncertain significance (1 of 4 stars; one submission).

Conditions:
Cystic fibrosis (CF). Also called: MUCOVISCIDOSIS. Identifiers: Orphanet 586, MedGen C0010674, MONDO:0009061, OMIM 219700. Disease mechanism: loss of function.

gnomAD v4.1: 1 of 1,613,612 alleles (0.000062%); highest among the groups gnomAD compares: Non-Finnish European, 0.000085%; no homozygotes.

Submission:

Ambry Genetics
Classification: Uncertain significance for Cystic fibrosis. Last evaluated: 2026-07-01. Review status: criteria provided, single submitter. Criteria: Ambry Variant Classification Scheme 2023. Collection method: clinical testing. Allele origin: germline.
Comment: The p.S1273P variant (also known as c.3817T>C), located in coding exon 23 of the CFTR gene, results from a T to C substitution at nucleotide position 3817. The serine at codon 1273 is replaced by proline, an amino acid with similar properties. This amino acid position is conserved. In addition, this alteration is predicted to be deleterious by in silico analysis. Based on the available evidence, the clinical significance of this variant remains unclear.